The following is an entry in ClinVar:

ClinVar aggregate classification (germline): Uncertain significance. Review status: criteria provided, multiple submitters, no conflicts (2 of 4 stars). 5 submissions from 5 submitters: Uncertain significance (5). Last evaluated 2025-06-11.

Conditions:
Cardiovascular phenotype. Identifiers: MedGen CN230736.
Cardiomyopathy (CMYO). Also called: Cardiomyopathies. Identifiers: Orphanet 167848, MedGen C0878544, MONDO:0004994, HP:0001638. Inheritance: Various modes of inheritance.
Catecholaminergic polymorphic ventricular tachycardia 1. Also called: RYR2-Related Catecholaminergic Polymorphic Ventricular Tachycardia; VENTRICULAR TACHYCARDIA, CATECHOLAMINERGIC POLYMORPHIC, 1, WITH OR WITHOUT ATRIAL DYSFUNCTION AND/OR DILATED CARDIOMYOPATHY; VENTRICULAR TACHYCARDIA, STRESS-INDUCED POLYMORPHIC 1. Identifiers: Orphanet 3286, MedGen C1631597, MONDO:0011484, OMIM 604772.
Catecholaminergic polymorphic ventricular tachycardia (CVPT). Also called: Catecholamine-induced polymorphic ventricular tachycardia. Identifiers: Orphanet 3286, MedGen C5574922, MONDO:0017990.

gnomAD v4.1: 21 of 1,613,376 alleles (0.0013%); highest among the groups gnomAD compares: Non-Finnish European, 0.0018%; no homozygotes.

Submissions (5):

Labcorp Genetics (formerly Invitae), Labcorp
Classification: Uncertain significance for Catecholaminergic polymorphic ventricular tachycardia 1. Last evaluated: 2025-06-11. Review status: criteria provided, single submitter. Criteria: Invitae Variant Classification Sherloc (09022015). Collection method: clinical testing. Allele origin: germline.
Comment: This sequence change replaces serine, which is neutral and polar, with asparagine, which is neutral and polar, at codon 1597 of the RYR2 protein (p.Ser1597Asn). This variant is not present in population databases (gnomAD no frequency). This variant has not been reported in the literature in individuals affected with RYR2-related conditions. ClinVar contains an entry for this variant (Variation ID: 573303). Invitae Evidence Modeling of protein sequence and biophysical properties (such as structural, functional, and spatial information, amino acid conservation, physicochemical variation, residue mobility, and thermodynamic stability) indicates that this missense variant is expected to disrupt RYR2 protein function with a positive predictive value of 95%. In summary, the available evidence is currently insufficient to determine the role of this variant in disease. Therefore, it has been classified as a Variant of Uncertain Significance.

GeneDx
Classification: Uncertain significance. Last evaluated: 2025-05-20. Review status: criteria provided, single submitter. Criteria: GeneDx Variant Classification Process June 2021. Collection method: clinical testing. Allele origin: germline. Affected: yes.
Comment: Has not been previously published as pathogenic or benign to our knowledge; Not observed at significant frequency in large population cohorts (gnomAD); In silico analysis suggests that this missense variant does not alter protein structure/function; Not located in one of the three hot-spot regions of the RYR2 gene, where the majority of pathogenic missense variants occur (PMID: 19926015); This variant is associated with the following publications: (PMID: 19926015)

Molecular Diagnostic Laboratory for Inherited Cardiovascular Disease, Montreal Heart Institute
Classification: Uncertain significance for Cardiovascular phenotype. Last evaluated: 2025-04-09. Review status: criteria provided, single submitter. Criteria: ACMG Guidelines, 2015. Collection method: clinical testing. Allele origin: germline. Affected: yes.
Comment: PM2, PP2, PP3

All of Us Research Program, National Institutes of Health
Classification: Uncertain significance for Catecholaminergic polymorphic ventricular tachycardia. Last evaluated: 2023-12-13. Review status: criteria provided, single submitter. Criteria: ACMG Guidelines, 2015. Collection method: clinical testing. Allele origin: germline. Inheritance: Autosomal dominant inheritance. Observed: 4 variant alleles, 4 heterozygotes.
Comment: This missense variant replaces serine with asparagine at codon 1597 of the RYR2 protein. Computational prediction is inconclusive regarding the impact of this variant on protein structure and function (internally defined REVEL score threshold 0.5 < inconclusive < 0.7, PMID: 27666373). To our knowledge, functional studies have not been reported for this variant. This variant has not been reported in individuals affected with RYR2-related disorders in the literature. This variant has not been identified in the general population by the Genome Aggregation Database (gnomAD). The available evidence is insufficient to determine the role of this variant in disease conclusively. Therefore, this variant is classified as a Variant of Uncertain Significance.

This study involves interpretation of variants in research participants for the purpose of population health screening. Participant phenotype was not available at the time of variant classification. Additional details can be found in publication PMID: 35346344, PMCID: PMC8962531

Color Diagnostics, LLC DBA Color Health
Classification: Uncertain significance for Cardiomyopathy. Last evaluated: 2023-11-08. Review status: criteria provided, single submitter. Criteria: ACMG Guidelines, 2015. Collection method: clinical testing. Allele origin: germline.
Comment: This missense variant replaces serine with asparagine at codon 1597 of the RYR2 protein. Computational prediction is inconclusive regarding the impact of this variant on protein structure and function. To our knowledge, functional studies have not been reported for this variant. This variant has not been reported in individuals affected with RYR2-related disorders in the literature. This variant has not been identified in the general population by the Genome Aggregation Database (gnomAD). The available evidence is insufficient to determine the role of this variant in disease conclusively. Therefore, this variant is classified as a Variant of Uncertain Significance.

NM_001035.3(RYR2):c.4790G>A (p.Ser1597Asn)

Gene: RYR2 (ryanodine receptor 2; plus strand). Cytogenetic location: 1q43.
Variant type: single nucleotide variant.
Coding change: c.4790G>A on transcript NM_001035.3 (MANE Select); coding-DNA position 4790, G replaced by A.
Protein change: p.Ser1597Asn; replaces serine 1597 with asparagine.
Molecular consequence: missense variant.
Genome position (GRCh38, 1-based): chr1:237,610,868, G>A. VCF-style: chr1-237610868-G-A. GRCh37 (hg19) VCF-style: chr1-237774168-G-A.
Other names: c.4790G>A, p.Ser1597Asn (LRG_402t1); short protein forms S1597N.
Identifiers: ClinVar variation 573303 (VCV000573303.53), dbSNP rs1481918213, ClinGen allele CA345402565.